The following is an entry in ClinVar:

NM_017565.4(FAM20A):c.1565T>C (p.Ile522Thr)

Genes: FAM20A (FAM20A golgi associated secretory pathway pseudokinase; minus strand), PRKAR1A (protein kinase cAMP-dependent type I regulatory subunit alpha; plus strand). Cytogenetic location: 17q24.2.
Variant type: single nucleotide variant.
Coding change: c.1565T>C on transcript NM_017565.4 (MANE Select); coding-DNA position 1565, T replaced by C.
Protein change: p.Ile522Thr; replaces isoleucine 522 with threonine.
Molecular consequence: missense variant. On other transcripts: non-coding transcript variant (1), intron variant (1).
Genome position (GRCh38, 1-based): chr17:68,537,538, A>G on the plus strand (T>C on the coding strand, the complement: FAM20A is on the minus strand). VCF-style: chr17-68537538-A-G. GRCh37 (hg19) VCF-style: chr17-66533679-A-G.
Other names: c.1151T>C, p.Ile384Thr (NM_001243746.2); c.973+7537A>G (NM_001276290.1); short protein forms I384T, I522T.
Identifiers: ClinVar variation 1912648 (VCV001912648.4), dbSNP rs369157703, ClinGen allele CA293301733.

ClinVar aggregate classification (germline): Uncertain significance (1 of 4 stars; one submission).

Allele frequency attached by ClinVar (database versions not stated): ESP Exome Variant Server 0.00008; TOPMed 0.00002; gnomAD 0.00004.
gnomAD v4.1: 11 of 1,613,718 alleles (0.00068%); highest among the groups gnomAD compares: African/African-American, 0.008%; no homozygotes.

Submission:

Labcorp Genetics (formerly Invitae), Labcorp
Classification: Uncertain significance. Last evaluated: 2022-03-19. Review status: criteria provided, single submitter. Criteria: Invitae Variant Classification Sherloc (09022015). Collection method: clinical testing. Allele origin: germline.
Comment: This sequence change replaces isoleucine, which is neutral and non-polar, with threonine, which is neutral and polar, at codon 522 of the FAM20A protein (p.Ile522Thr). This variant has not been reported in the literature in individuals affected with FAM20A-related conditions. This variant is present in population databases (rs369157703, gnomAD 0.004%). Algorithms developed to predict the effect of missense changes on protein structure and function are either unavailable or do not agree on the potential impact of this missense change (SIFT: "Deleterious"; PolyPhen-2: "Possibly Damaging"; Align-GVGD: "Class C0"). In summary, the available evidence is currently insufficient to determine the role of this variant in disease. Therefore, it has been classified as a Variant of Uncertain Significance.